The following is an entry in ClinVar:

ClinVar aggregate classification (germline): Pathogenic (1 of 4 stars; one submission).

Conditions:
Ichthyosis linearis circumflexa. Identifiers: MedGen C0265962, MONDO:0043106, HP:0025810.

Submission:

Labcorp Genetics (formerly Invitae), Labcorp
Classification: Pathogenic for Ichthyosis linearis circumflexa. Last evaluated: 2024-10-02. Review status: criteria provided, single submitter. Criteria: Invitae Variant Classification Sherloc (09022015). Collection method: clinical testing. Allele origin: germline.
Comment: This sequence change creates a premature translational stop signal (p.Gln564*) in the SPINK5 gene. It is expected to result in an absent or disrupted protein product. Loss-of-function variants in SPINK5 are known to be pathogenic (PMID: 11511292, 11841556). This variant is not present in population databases (gnomAD no frequency). This variant has not been reported in the literature in individuals affected with SPINK5-related conditions. Algorithms developed to predict the effect of sequence changes on RNA splicing suggest that this variant may disrupt the consensus splice site. For these reasons, this variant has been classified as Pathogenic.

Literature cited by the submitters: PubMed 11511292; PubMed 11841556.

NM_006846.4(SPINK5):c.1690C>T (p.Gln564Ter)

Gene: SPINK5 (serine peptidase inhibitor Kazal type 5; plus strand). Cytogenetic location: 5q32.
Variant type: single nucleotide variant.
Coding change: c.1690C>T on transcript NM_006846.4 (MANE Select); coding-DNA position 1690, C replaced by T.
Protein change: p.Gln564Ter; replaces glutamine 564 with a stop codon.
Molecular consequence: nonsense.
Genome position (GRCh38, 1-based): chr5:148,108,835, C>T. VCF-style: chr5-148108835-C-T. GRCh37 (hg19) VCF-style: chr5-147488398-C-T.
Other names: c.1690C>T, p.Gln564Ter (NM_001127698.2, NM_001127699.2); short protein forms Q564*.
Identifiers: ClinVar variation 3692365 (VCV003692365.2).